The following is an entry in ClinVar:

NM_001048174.2(MUTYH):c.1094C>T (p.Pro365Leu)

Gene: MUTYH (mutY DNA glycosylase; minus strand). Cytogenetic location: 1p34.1.
Variant type: single nucleotide variant.
Coding change: c.1094C>T on transcript NM_001048174.2 (MANE Select); coding-DNA position 1094, C replaced by T.
Protein change: p.Pro365Leu; replaces proline 365 with leucine.
Molecular consequence: missense variant. On other transcripts: non-coding transcript variant (2).
Genome position (GRCh38, 1-based): chr1:45,331,669, G>A on the plus strand (C>T on the coding strand, the complement: MUTYH is on the minus strand). VCF-style: chr1-45331669-G-A. GRCh37 (hg19) VCF-style: chr1-45797341-G-A.
Other names: c.1094C>T, p.Pro365Leu (NM_001048171.2, NM_001048173.2, NM_001293195.2); c.1097C>T, p.Pro366Leu (NM_001048172.2); c.1178C>T, p.Pro393Leu (NM_001128425.2); c.1139C>T, p.Pro380Leu (NM_001293190.2); c.1127C>T, p.Pro376Leu (NM_001293191.2); c.818C>T, p.Pro273Leu (NM_001293192.2, NM_001293196.2); c.749C>T, p.Pro250Leu (NM_001350650.2, NM_001350651.2); c.1169C>T, p.Pro390Leu (NM_012222.3); short protein forms P366L, P365L, P380L, P250L, P273L, P376L, P390L, P393L.
Identifiers: ClinVar variation 645637 (VCV000645637.11), dbSNP rs1570380627, ClinGen allele CA340133270.

ClinVar aggregate classification (germline): Uncertain significance. Review status: criteria provided, multiple submitters, no conflicts (2 of 4 stars). 2 submissions from 2 submitters: Uncertain significance (2). Last evaluated 2021-12-14.

Conditions:
Familial adenomatous polyposis 2. Also called: COLORECTAL ADENOMATOUS POLYPOSIS, AUTOSOMAL RECESSIVE; ADENOMAS, MULTIPLE COLORECTAL, AUTOSOMAL RECESSIVE; MUTYH-associated polyposis; MUTYH-related attenuated familial adenomatous polyposis; MUTYH Polyposis; Adenomas, multiple colorectal. Identifiers: Orphanet 220460, Orphanet 247798, MedGen C3272841, MONDO:0012041, OMIM 608456.
Hereditary cancer-predisposing syndrome. Also called: Neoplastic Syndromes, Hereditary; Hereditary Cancer Syndrome; Tumor predisposition; Hereditary neoplastic syndrome. Identifiers: Orphanet 140162, MedGen C0027672, MeSH D009386, MONDO:0015356.

Submissions (2):

Ambry Genetics
Classification: Uncertain significance for Hereditary cancer-predisposing syndrome. Last evaluated: 2021-12-14. Review status: criteria provided, single submitter. Criteria: Ambry Variant Classification Scheme 2023. Collection method: clinical testing. Allele origin: germline.
Comment: The p.P393L variant (also known as c.1178C>T), located in coding exon 12 of the MUTYH gene, results from a C to T substitution at nucleotide position 1178. The proline at codon 393 is replaced by leucine, an amino acid with similar properties. This amino acid position is highly conserved in available vertebrate species. In addition, this alteration is predicted to be deleterious by in silico analysis. Since supporting evidence is limited at this time, the clinical significance of this alteration remains unclear.

Labcorp Genetics (formerly Invitae), Labcorp
Classification: Uncertain significance for Familial adenomatous polyposis 2. Last evaluated: 2018-07-23. Review status: criteria provided, single submitter. Criteria: Invitae Variant Classification Sherloc (09022015). Collection method: clinical testing. Allele origin: germline.
Comment: This sequence change replaces proline with leucine at codon 393 of the MUTYH protein (p.Pro393Leu). The proline residue is highly conserved and there is a moderate physicochemical difference between proline and leucine. This variant is not present in population databases (ExAC no frequency). This variant has not been reported in the literature in individuals with MUTYH-related disease. Algorithms developed to predict the effect of missense changes on protein structure and function (SIFT, PolyPhen-2, Align-GVGD) all suggest that this variant is likely to be disruptive, but these predictions have not been confirmed by published functional studies and their clinical significance is uncertain. In summary, the available evidence is currently insufficient to determine the role of this variant in disease. Therefore, it has been classified as a Variant of Uncertain Significance.